The following is an entry in ClinVar:

NM_001015877.2(PHF6):c.591T>G (p.Asp197Glu)

Gene: PHF6 (PHD finger protein 6; plus strand). Cytogenetic location: Xq26.2.
Variant type: single nucleotide variant.
Coding change: c.591T>G on transcript NM_001015877.2 (MANE Select); coding-DNA position 591, T replaced by G.
Protein change: p.Asp197Glu; replaces aspartic acid 197 with glutamic acid.
Molecular consequence: missense variant.
Genome position (GRCh38, 1-based): chrX:134,413,828, T>G. VCF-style: chrX-134413828-T-G. GRCh37 (hg19) VCF-style: chrX-133547858-T-G.
Other names: c.594T>G, p.Asp198Glu (NM_032335.3); c.591T>G, p.Asp197Glu (NM_032458.3); short protein forms D198E, D197E.
Identifiers: ClinVar variation 4738788 (VCV004738788.1).

ClinVar aggregate classification (germline): Uncertain significance (1 of 4 stars; one submission).

Conditions:
Borjeson-Forssman-Lehmann syndrome (BFLS). Also called: MENTAL RETARDATION, X-LINKED, SYNDROMIC, BORJESON-FORSSMAN-LEHMANN TYPE; MENTAL RETARDATION, EPILEPSY, AND ENDOCRINE DISORDERS; BORJESON SYNDROME. Identifiers: Orphanet 127, MedGen C0265339, MONDO:0010537, OMIM 301900.

gnomAD v4.1: 12 of 1,209,278 alleles (0.00099%); highest among the groups gnomAD compares: Non-Finnish European, 0.00089%; no homozygotes.

Submission:

Labcorp Genetics (formerly Invitae), Labcorp
Classification: Uncertain significance for Borjeson-Forssman-Lehmann syndrome. Last evaluated: 2025-11-14. Review status: criteria provided, single submitter. Criteria: Invitae Variant Classification Sherloc (09022015). Collection method: clinical testing. Allele origin: germline.
Comment: This sequence change replaces aspartic acid, which is acidic and polar, with glutamic acid, which is acidic and polar, at codon 197 of the PHF6 protein (p.Asp197Glu). This variant is not present in population databases (gnomAD no frequency). This variant has not been reported in the literature in individuals affected with PHF6-related conditions. Invitae Evidence Modeling of protein sequence and biophysical properties (such as structural, functional, and spatial information, amino acid conservation, physicochemical variation, residue mobility, and thermodynamic stability) indicates that this missense variant is not expected to disrupt PHF6 protein function with a negative predictive value of 80%. In summary, the available evidence is currently insufficient to determine the role of this variant in disease. Therefore, it has been classified as a Variant of Uncertain Significance.